The following is an entry in ClinVar:

NC_000003.11:g.(?_197401889)_(197682644_?)del

Genes: DRC9 (dynein regulatory complex subunit 9; minus strand), FYTTD1 (forty-two-three domain containing 1; plus strand), LRCH3 (leucine rich repeats and calponin homology domain containing 3; plus strand), RPL35A (ribosomal protein L35a; plus strand), RUBCN (rubicon autophagy regulator; minus strand). Cytogenetic location: 3q29.
Variant type: Deletion.
Identifiers: ClinVar variation 3246899 (VCV003246899.1).

ClinVar aggregate classification (germline): Pathogenic (1 of 4 stars; one submission).

Conditions:
Diamond-Blackfan anemia 5 (DBA5). Also called: RPL35A-Related Diamond-Blackfan Anemia. Identifiers: Orphanet 124, MedGen C2675859, MONDO:0012925, OMIM 612528.

Submission:

Labcorp Genetics (formerly Invitae), Labcorp
Classification: Pathogenic for Diamond-Blackfan anemia 5. Last evaluated: 2023-02-03. Review status: criteria provided, single submitter. Criteria: Invitae Variant Classification Sherloc (09022015). Collection method: clinical testing. Allele origin: unknown.
Comment: For these reasons, this variant has been classified as Pathogenic. A similar copy number variant has been observed in individual(s) with Diamond-Blackfan anemia (PMID: 18535205, 22262766, 22689679). A gross deletion of the genomic region encompassing the full coding sequence of the RPL35A gene has been identified. Loss-of-function variants in RPL35A are known to be pathogenic (PMID: 18535205, 25946618). The boundaries of this event are unknown as they extend beyond the assayed region for this gene and therefore may encompass additional genes.

Literature cited by the submitters: PubMed 18535205; PubMed 22262766; PubMed 22689679; PubMed 25946618.